The following is an entry in ClinVar:

NM_001972.4(ELANE):c.26_27del (p.Cys9fs)

Gene: ELANE (elastase, neutrophil expressed; plus strand). Cytogenetic location: 19p13.3.
Variant type: Microsatellite.
Coding change: c.26_27del on transcript NM_001972.4 (MANE Select); coding-DNA positions 26 to 27, 2 bases deleted (GT; older notation c.26_27delGT).
Protein change: p.Cys9fs; shifts the reading frame from cysteine 9.
Molecular consequence: frameshift variant.
Genome position (GRCh38, 1-based): chr19:852,354-852,355, GT deleted; deleting any 2 consecutive bases within chr19:852,352-852,355 gives the same sequence; the c. name uses the placement nearest the transcript's 3' end. VCF-style (leftmost placement, unchanged base first): chr19-852351-CGT-C. GRCh37 (hg19) VCF-style: chr19-852351-CGT-C.
Other names: short protein forms C9fs.
Identifiers: ClinVar variation 4785032 (VCV004785032.1).

ClinVar aggregate classification (germline): Uncertain significance (1 of 4 stars; one submission).

Conditions:
Neutropenia, severe congenital, 1, autosomal dominant. Identifiers: MedGen C1859966, MONDO:0042490, OMIM 202700.
Cyclical neutropenia. Also called: Cyclic Neutropenia; Cyclic hematopoiesis. Identifiers: Orphanet 2686, MedGen C0221023, MONDO:0008090, OMIM 162800, HP:0040289. Disease mechanism: loss of function.

Submission:

Labcorp Genetics (formerly Invitae), Labcorp
Classification: Uncertain significance for Neutropenia, severe congenital, 1, autosomal dominant; Cyclical neutropenia. Last evaluated: 2025-11-22. Review status: criteria provided, single submitter. Criteria: Invitae Variant Classification Sherloc (09022015). Collection method: clinical testing. Allele origin: germline.
Comment: This sequence change creates a premature translational stop signal (p.Cys9Serfs*79) in the ELANE gene. It is expected to result in an absent or disrupted protein product. However, the current clinical and genetic evidence is not sufficient to establish whether loss-of-function variants in ELANE cause disease. This variant is not present in population databases (gnomAD no frequency). This variant has not been reported in the literature in individuals affected with ELANE-related conditions. In summary, the available evidence is currently insufficient to determine the role of this variant in disease. Therefore, it has been classified as a Variant of Uncertain Significance.